The following is an entry in ClinVar:

ClinVar aggregate classification (germline): Uncertain significance (1 of 4 stars; one submission).

gnomAD v4.1: 3 of 1,614,024 alleles (0.00019%); highest among the groups gnomAD compares: African/African-American, 0.0013%; no homozygotes.

Submission:

Labcorp Genetics (formerly Invitae), Labcorp
Classification: Uncertain significance. Last evaluated: 2024-02-02. Review status: criteria provided, single submitter. Criteria: Invitae Variant Classification Sherloc (09022015). Collection method: clinical testing. Allele origin: germline.
Comment: This sequence change replaces glutamic acid, which is acidic and polar, with alanine, which is neutral and non-polar, at codon 590 of the SCN3A protein (p.Glu590Ala). This variant is present in population databases (no rsID available, gnomAD 0.007%). This variant has not been reported in the literature in individuals affected with SCN3A-related conditions. Advanced modeling of protein sequence and biophysical properties (such as structural, functional, and spatial information, amino acid conservation, physicochemical variation, residue mobility, and thermodynamic stability) performed at Invitae indicates that this missense variant is not expected to disrupt SCN3A protein function with a negative predictive value of 95%. In summary, the available evidence is currently insufficient to determine the role of this variant in disease. Therefore, it has been classified as a Variant of Uncertain Significance.

NM_006922.4(SCN3A):c.1769A>C (p.Glu590Ala)

Gene: SCN3A (sodium voltage-gated channel alpha subunit 3; minus strand). Cytogenetic location: 2q24.3.
Variant type: single nucleotide variant.
Coding change: c.1769A>C on transcript NM_006922.4 (MANE Select); coding-DNA position 1769, A replaced by C.
Protein change: p.Glu590Ala; replaces glutamic acid 590 with alanine.
Molecular consequence: missense variant.
Genome position (GRCh38, 1-based): chr2:165,140,901, T>G on the plus strand (A>C on the coding strand, the complement: SCN3A is on the minus strand). VCF-style: chr2-165140901-T-G. GRCh37 (hg19) VCF-style: chr2-165997411-T-G.
Other names: c.1769A>C, p.Glu590Ala (NM_001081676.2, NM_001081677.2); short protein forms E590A.
Identifiers: ClinVar variation 3706105 (VCV003706105.2).